The following is an entry in ClinVar:

ClinVar aggregate classification (germline): Uncertain significance (1 of 4 stars; one submission).

Conditions:
SPEN-related disorder. Also called: SPEN-related condition.

Submission:

PreventionGenetics, part of Exact Sciences
Classification: Uncertain significance for SPEN-related condition. Last evaluated: 2025-05-12. Review status: criteria provided, single submitter. Criteria: ACMG Guidelines, 2015. Collection method: clinical testing. Allele origin: germline.
Comment: The SPEN c.7829T>A variant is predicted to result in the amino acid substitution p.Val2610Glu. To our knowledge, this variant has not been reported in the literature or in a large population database (gnomAD), indicating this variant is rare. At this time, the clinical significance of this variant is uncertain due to the absence of conclusive functional and genetic evidence.

NM_015001.3(SPEN):c.7829T>A (p.Val2610Glu)

Gene: SPEN (spen family transcriptional repressor; plus strand). Cytogenetic location: 1p36.13.
Variant type: single nucleotide variant.
Coding change: c.7829T>A on transcript NM_015001.3 (MANE Select); coding-DNA position 7829, T replaced by A.
Protein change: p.Val2610Glu; replaces valine 2610 with glutamic acid.
Molecular consequence: missense variant.
Genome position (GRCh38, 1-based): chr1:15,934,069, T>A. VCF-style: chr1-15934069-T-A. GRCh37 (hg19) VCF-style: chr1-16260564-T-A.
Other names: short protein forms V2610E.
Identifiers: ClinVar variation 4988514 (VCV004988514.1).
Genomic context (GRCh38, chr1:15,934,069, plus strand): 5'-TGACAAACAACTCTGAGATACAAGCCTCGGAGGTGCTGGTAGCTGCTGACAAGGAAAAGG[T>A]GGCTCCAGTCATTGCTCCCAAAATTACCTCTGTTATTAGCCGGATGCCTGTCAGCATTGA-3'
Protein context (NP_055816.2, residues 2600-2620): EVLVAADKEK[Val2610Glu]APVIAPKITS